The following is an entry in ClinVar:

ClinVar aggregate classification (germline): Likely pathogenic (1 of 4 stars; one submission).

Submission:

GeneDx
Classification: Likely pathogenic. Last evaluated: 2024-03-12. Review status: criteria provided, single submitter. Criteria: GeneDx Variant Classification Process June 2021. Collection method: clinical testing. Allele origin: germline. Affected: yes.
Comment: Not observed at significant frequency in large population cohorts (gnomAD); In silico analysis supports that this missense variant has a deleterious effect on protein structure/function; This variant is associated with the following publications: (PMID: 35543142)

NM_006445.4(PRPF8):c.5552C>T (p.Ser1851Phe)

Gene: PRPF8 (pre-mRNA processing factor 8; minus strand). Cytogenetic location: 17p13.3.
Variant type: single nucleotide variant.
Coding change: c.5552C>T on transcript NM_006445.4 (MANE Select); coding-DNA position 5552, C replaced by T.
Protein change: p.Ser1851Phe; replaces serine 1851 with phenylalanine.
Molecular consequence: missense variant.
Genome position (GRCh38, 1-based): chr17:1,656,715, G>A on the plus strand (C>T on the coding strand, the complement: PRPF8 is on the minus strand). VCF-style: chr17-1656715-G-A. GRCh37 (hg19) VCF-style: chr17-1560009-G-A.
Other names: short protein forms S1851F.
Identifiers: ClinVar variation 3343917 (VCV003343917.1).